The following is an entry in ClinVar:

ClinVar aggregate classification (germline): Pathogenic (1 of 4 stars; one submission).

Conditions:
Bloom syndrome (BLM). Also called: Bloom-Torre-Machacek syndrome. Identifiers: Orphanet 125, MedGen C0005859, MONDO:0008876, OMIM 210900.

Submission:

Labcorp Genetics (formerly Invitae), Labcorp
Classification: Pathogenic for Bloom syndrome. Last evaluated: 2021-12-17. Review status: criteria provided, single submitter. Criteria: Invitae Variant Classification Sherloc (09022015). Collection method: clinical testing. Allele origin: germline.
Comment: This sequence change creates a premature translational stop signal (p.Gln931*) in the BLM gene. It is expected to result in an absent or disrupted protein product. Loss-of-function variants in BLM are known to be pathogenic (PMID: 17407155). This variant is not present in population databases (gnomAD no frequency). This variant has not been reported in the literature in individuals affected with BLM-related conditions. For these reasons, this variant has been classified as Pathogenic.

Literature cited by the submitters: PubMed 17407155.

NM_000057.4(BLM):c.2791C>T (p.Gln931Ter)

Gene: BLM (BLM RecQ like helicase; plus strand). Cytogenetic location: 15q26.1.
Variant type: single nucleotide variant.
Coding change: c.2791C>T on transcript NM_000057.4 (MANE Select); coding-DNA position 2791, C replaced by T.
Protein change: p.Gln931Ter; replaces glutamine 931 with a stop codon.
Molecular consequence: nonsense.
Genome position (GRCh38, 1-based): chr15:90,785,049, C>T. VCF-style: chr15-90785049-C-T. GRCh37 (hg19) VCF-style: chr15-91328279-C-T.
Other names: c.2791C>T, p.Gln931Ter (NM_001287246.2, NM_001287247.2); c.1666C>T, p.Gln556Ter (NM_001287248.2); short protein forms Q931*, Q556*.
Identifiers: ClinVar variation 2044705 (VCV002044705.4), dbSNP rs1471344734, ClinGen allele CA393846122.